The following is an entry in ClinVar:

ClinVar aggregate classification (germline): Pathogenic (1 of 4 stars; one submission).

Conditions:
Brooke-Spiegler syndrome. Also called: CYLD Cutaneous Syndrome. Identifiers: Orphanet 79493, MedGen C1857941, MONDO:0011512, OMIM 605041.

Submission:

Genomic Diagnostic Laboratory, Division of Genomic Diagnostics, Children's Hospital of Philadelphia
Classification: Pathogenic for Brooke-Spiegler syndrome. Last evaluated: 2016-09-23. Review status: criteria provided, single submitter. Criteria: DGD Variant Analysis Guidelines. Collection method: clinical testing. Allele origin: germline. Affected: yes. Observed: 2 variant alleles.
Comment: Clinical Testing

NM_001378743.1(CYLD):c.968_977del (p.Ser323fs)

Gene: CYLD (CYLD lysine 63 deubiquitinase; plus strand). Cytogenetic location: 16q12.1.
Variant type: Deletion.
Coding change: c.968_977del on transcript NM_001378743.1 (MANE Select); coding-DNA positions 968 to 977, 10 bases deleted (CAAGAGGTGT; older notation c.968_977delCAAGAGGTGT).
Protein change: p.Ser323fs; shifts the reading frame from serine 323.
Molecular consequence: frameshift variant. On other transcripts: non-coding transcript variant (1).
Genome position (GRCh38, 1-based): chr16:50,776,224-50,776,233, CAAGAGGTGT deleted; deleting any 10 consecutive bases within chr16:50,776,221-50,776,233 gives the same sequence; the c. name uses the placement nearest the transcript's 3' end. VCF-style (leftmost placement, unchanged base first): chr16-50776220-ATGTCAAGAGG-A. GRCh37 (hg19) VCF-style: chr16-50810131-ATGTCAAGAGG-A.
Other names: c.968_977delCAAGAGGTGT (NM_015247.2); c.959_968del, p.Ser320fs (NM_001378747.1, NM_001378748.1, NM_001378749.1 and 9 more transcripts); c.293_302del, p.Ser98fs (NM_001378754.1, NM_001378755.1); c.968_977del, p.Ser323fs (NM_015247.3); short protein forms S323fs, S320fs, S98fs.
Identifiers: ClinVar variation 267230 (VCV000267230.1), dbSNP rs886040870, ClinGen allele CA10590067.
Genomic context (GRCh38, chr16:50,776,220, plus strand): 5'-AACATGCTTACTGTTTCAGAGAGTGTGACGCAGGAAAGGAGGCCTCCCAAACTTGCCTTT[ATGTCAAGAGG>A]TGTTGGGGACAAAGGTTCATCCAGTCATAATAAACCAAAGGCTACAGGTATGGATTAATA-3'